The following is an entry in ClinVar:

NM_000146.4(FTL):c.1A>G (p.Met1Val)

Gene: FTL (ferritin light chain; plus strand). Cytogenetic location: 19q13.33.
Variant type: single nucleotide variant.
Coding change: c.1A>G on transcript NM_000146.4 (MANE Select); coding-DNA position 1, A replaced by G.
Protein change: p.Met1Val; changes the start codon (methionine 1).
Molecular consequence: missense variant, initiator codon variant.
Genome position (GRCh38, 1-based): chr19:48,965,508, A>G. VCF-style: chr19-48965508-A-G. GRCh37 (hg19) VCF-style: chr19-49468765-A-G.
Other names: NM_000146.4(FTL):c.1A>G; p.Met1Val; short protein forms M1V.
Identifiers: ClinVar variation 96689 (VCV000096689.31), dbSNP rs139732572, ClinGen allele CA149681.
Genomic context (GRCh38, chr19:48,965,508, plus strand): 5'-TCCTGCTTCTGGGACCTGCCAGCACCGTTTTTGTGGTTAGCTCCTTCTTGCCAACCAACC[A>G]TGAGCTCCCAGATTCGTCAGAATTATTCCACCGACGTGGAGGCAGCCGTCAACAGCCTGG-3'
Protein context (NP_000137.2, residues 1-11): [Met1Val]SSQIRQNYST

ClinVar aggregate classification (germline): Conflicting classifications of pathogenicity. Review status: criteria provided, conflicting classifications (1 of 4 stars). 5 submissions from 5 submitters: Likely pathogenic (1); Uncertain significance (3). 1 of the submissions does not count toward it. Last evaluated 2024-08-28.

Conditions:
Hereditary hyperferritinemia with congenital cataracts. Also called: HYPERFERRITINEMIA WITH OR WITHOUT CATARACT; Hereditary hyperferritinemia cataract syndrome; Bonneau-Beaumont syndrome. Identifiers: Orphanet 163, MedGen C1833213, MONDO:0010952, OMIM 600886.
Neuroferritinopathy (NBIA3). Also called: NEURODEGENERATION WITH BRAIN IRON ACCUMULATION 3; BASAL GANGLIA DISEASE, ADULT-ONSET. Identifiers: Orphanet 157846, MedGen C1853578, MONDO:0011638, OMIM 606159.
L-ferritin deficiency (LFTD). Also called: L-FERRITIN DEFICIENCY, AUTOSOMAL DOMINANT. Identifiers: Orphanet 440731, MedGen C3810090, MONDO:0014274, OMIM 615604.

Allele frequency attached by ClinVar (database versions not stated): gnomAD exomes 0.00001; TOPMed 0.00002; ESP Exome Variant Server 0.00008; ExAC 0.00001; gnomAD 0.00001.

Submissions (5):

Labcorp Genetics (formerly Invitae), Labcorp
Classification: Uncertain significance for Neuroferritinopathy; Hereditary hyperferritinemia with congenital cataracts. Last evaluated: 2024-08-28. Review status: criteria provided, single submitter. Criteria: Invitae Variant Classification Sherloc (09022015). Collection method: clinical testing. Allele origin: germline.
Comment: This sequence change affects the initiator methionine of the FTL mRNA. The next in-frame methionine is located at codon 69. This variant is present in population databases (rs139732572, gnomAD 0.003%). Disruption of the initiator codon has been observed in individual(s) with L-ferritin deficiency (PMID: 15173247, 30678075). ClinVar contains an entry for this variant (Variation ID: 96689). In summary, the available evidence is currently insufficient to determine the role of this variant in disease. Therefore, it has been classified as a Variant of Uncertain Significance.

Women's Health and Genetics/Laboratory Corporation of America, LabCorp
Classification: Uncertain significance. Last evaluated: 2024-04-25. Review status: criteria provided, single submitter. Criteria: LabCorp Variant Classification Summary - May 2015. Collection method: clinical testing. Allele origin: germline.
Comment: Variant summary: FTL c.1A>G (p.Met1Val) alters the initiation codon and is predicted to result either in absence of the protein or truncation of the encoded protein due to translation initiation at a downstream codon. An alternative downstream in-frame start codon (Met69) is located in the encoded protein. Two of four in-silico tools predict a benign effect of the variant on protein function. The variant allele was found at a frequency of 1.2e-05 in 251104 control chromosomes. c.1A>G has been reported in the literature in at least two heterozygous individuals affected with autosomal dominant L-Ferritin Deficiency (e.g. Cremonesi_2004, Cadenas_2019). These data indicate that the variant may be associated with disease. To our knowledge, no experimental evidence demonstrating an impact on protein function has been reported. The following publications have been ascertained in the context of this evaluation (PMID: 30678075, 15173247). ClinVar contains an entry for this variant (Variation ID: 96689). Based on the evidence outlined above, the variant was classified as VUS-possibly pathogenic.

CeGaT Center for Human Genetics Tuebingen
Classification: Likely pathogenic. Last evaluated: 2024-01-01. Review status: criteria provided, single submitter. Criteria: CeGaT Center For Human Genetics Tuebingen Variant Classification Criteria Version 2. Collection method: clinical testing. Allele origin: germline. Affected: yes. Observed: 2 variant alleles.
Comment: FTL: PM2, PS4:Moderate, PVS1:Moderate, PP1, PP4

Broad Center for Mendelian Genomics, Broad Institute of MIT and Harvard
Classification: Uncertain significance for L-ferritin deficiency. Last evaluated: 2023-01-25. Review status: criteria provided, single submitter. Criteria: ACMG Guidelines, 2015. Collection method: curation. Allele origin: germline. Inheritance: Autosomal dominant inheritance.
Comment: The p.Met1Val variant in FTL has been reported in 2 unrelated individuals with autosomal dominant L-ferritin deficiency (PMID: 30678075, PMID: 15173247) and segregated with disease in 2 affective relatives from one family (PMID: 30678075), but has been identified in 0.003% (3/113706) of European (non-Finnish) chromosomes by the Genome Aggregation Database (gnomAD; dbSNP ID: rs139732572). Although this variant has been seen in the general population in a heterozygous state, its frequency is not high enough to rule out a pathogenic role. Pathogenic variants may be present at a low frequency in the general population, for diseases with clinical variability, or reduced penetrance. This variant has also been reported in ClinVar (Variation ID: 96689) and has been interpreted as pathogenic by OMIM, as likely pathogenic by LabCorp, and as a variant of uncertain significance by Invitae. This variant is located in the first amino acid and obliterates the methionine initiation codon. The next in-frame methionine is at amino acid residue 69 and there are 2 reported pathogenic or likely pathogenic variants in ClinVar upstream of this downstream methionine. It is of note that loss of function of FTL in an autosomal dominant disease has not yet been established based on the criteria laid out in Tayoun et al., 2018 (PMID: 30192042). In summary, the clinical significance of the p.Met1Val variant is uncertain. ACMG/AMP Criteria applied: PS4_Supporting (Richards 2015).

OMIM
Classification: Pathogenic for L-FERRITIN DEFICIENCY, AUTOSOMAL DOMINANT. Last evaluated: 2004-06-01. Review status: no assertion criteria provided. Collection method: literature only. Allele origin: germline. Not counted in ClinVar's aggregate classification.

Literature cited by the submitters: PubMed 15173247 (cited by 3 submitters); PubMed 30678075 (cited by Labcorp Genetics (formerly Invitae), Labcorp and Women's Health and Genetics/Laboratory Corporation of America, LabCorp).